The following is an entry in ClinVar:

ClinVar aggregate classification (germline): Uncertain significance (1 of 4 stars; one submission).

Conditions:
Heterotopia, periventricular, X-linked dominant (PVNH1). Also called: PERIVENTRICULAR NODULAR HETEROTOPIA 4; HETEROTOPIA, PERIVENTRICULAR, 1; PERIVENTRICULAR NODULAR HETEROTOPIA 1; X-linked periventricular heterotopia. Identifiers: Orphanet 2149, Orphanet 82004, MedGen C1848213, MONDO:0010233, OMIM 300049.
Oto-palato-digital syndrome, type II (OPD2). Also called: Otopalatodigital Syndrome, Type II; FACIOPALATOOSSEOUS SYNDROME; OPD II SYNDROME; Otopalatodigital Syndrome Type 2 (FLNA-OPD2). Identifiers: Orphanet 669, Orphanet 90652, MedGen C1844696, MONDO:0010571, OMIM 304120.
Melnick-Needles syndrome (MNS). Also called: MELNICK-NEEDLES OSTEODYSPLASTY; OSTEODYSPLASTY OF MELNICK AND NEEDLES; Melnick-Needles Syndrome (FLNA-MNS). Identifiers: Orphanet 2484, MedGen C0025237, MONDO:0010650, OMIM 309350.
Frontometaphyseal dysplasia (FMD1). Identifiers: Orphanet 1826, MedGen C0265293, MONDO:0015942.

Submission:

Labcorp Genetics (formerly Invitae), Labcorp
Classification: Uncertain significance for Oto-palato-digital syndrome, type II; Heterotopia, periventricular, X-linked dominant; Frontometaphyseal dysplasia; Melnick-Needles syndrome. Last evaluated: 2025-02-10. Review status: criteria provided, single submitter. Criteria: Invitae Variant Classification Sherloc (09022015). Collection method: clinical testing. Allele origin: germline.
Comment: This sequence change replaces glutamine, which is neutral and polar, with proline, which is neutral and non-polar, at codon 1729 of the FLNA protein (p.Gln1729Pro). This variant is not present in population databases (gnomAD no frequency). This variant has not been reported in the literature in individuals affected with FLNA-related conditions. Invitae Evidence Modeling of protein sequence and biophysical properties (such as structural, functional, and spatial information, amino acid conservation, physicochemical variation, residue mobility, and thermodynamic stability) indicates that this missense variant is not expected to disrupt FLNA protein function with a negative predictive value of 95%. In summary, the available evidence is currently insufficient to determine the role of this variant in disease. Therefore, it has been classified as a Variant of Uncertain Significance.

NM_001110556.2(FLNA):c.5210A>C (p.Gln1737Pro)

Gene: FLNA (filamin A; minus strand). Cytogenetic location: Xq28.
Variant type: single nucleotide variant.
Coding change: c.5210A>C on transcript NM_001110556.2 (MANE Select); coding-DNA position 5210, A replaced by C.
Protein change: p.Gln1737Pro; replaces glutamine 1737 with proline.
Molecular consequence: missense variant.
Genome position (GRCh38, 1-based): chrX:154,354,832, T>G on the plus strand (A>C on the coding strand, the complement: FLNA is on the minus strand). VCF-style: chrX-154354832-T-G. GRCh37 (hg19) VCF-style: chrX-153583200-T-G.
Other names: c.5186A>C, p.Gln1729Pro (NM_001456.4); short protein forms Q1729P, Q1737P.
Identifiers: ClinVar variation 4789580 (VCV004789580.1).
Genomic context (GRCh38, chrX:154,354,832, plus strand): 5'-CAGGCCGGGACCTGCCAGACACCCCTGCTGACCTACCCCCCACCCCTCCTCACCGTCACT[T>G]GGAAGGGGCTGTTGGGCACGTGCTCGCCACCAAAGCGCACACAGATGACGTATTTGCCCG-3'
Protein context (NP_001104026.1, residues 1727-1747): GGEHVPNSPF[Gln1737Pro]VTALAGDQPS